The following is an entry in ClinVar:

NM_000032.5(ALAS2):c.718G>C (p.Glu240Gln)

Gene: ALAS2 (5'-aminolevulinate synthase 2; minus strand). Cytogenetic location: Xp11.21.
Variant type: single nucleotide variant.
Coding change: c.718G>C on transcript NM_000032.5 (MANE Select); coding-DNA position 718, G replaced by C.
Protein change: p.Glu240Gln; replaces glutamic acid 240 with glutamine.
Molecular consequence: missense variant.
Genome position (GRCh38, 1-based): chrX:55,020,425, C>G on the plus strand (G>C on the coding strand, the complement: ALAS2 is on the minus strand). VCF-style: chrX-55020425-C-G. GRCh37 (hg19) VCF-style: chrX-55046858-C-G.
Other names: c.607G>C, p.Glu203Gln (NM_001037967.4); c.679G>C, p.Glu227Gln (NM_001037968.4); short protein forms E203Q, E227Q, E240Q.
Identifiers: ClinVar variation 4801056 (VCV004801056.1).

ClinVar aggregate classification (germline): Uncertain significance (1 of 4 stars; one submission).

Submission:

Labcorp Genetics (formerly Invitae), Labcorp
Classification: Uncertain significance. Last evaluated: 2025-10-17. Review status: criteria provided, single submitter. Criteria: Invitae Variant Classification Sherloc (09022015). Collection method: clinical testing. Allele origin: germline.
Comment: This sequence change replaces glutamic acid, which is acidic and polar, with glutamine, which is neutral and polar, at codon 240 of the ALAS2 protein (p.Glu240Gln). This variant is not present in population databases (gnomAD no frequency). This variant has not been reported in the literature in individuals affected with ALAS2-related conditions. Invitae Evidence Modeling of protein sequence and biophysical properties (such as structural, functional, and spatial information, amino acid conservation, physicochemical variation, residue mobility, and thermodynamic stability) has been performed for this missense variant. However, the output from this modeling did not meet the statistical confidence thresholds required to predict the impact of this variant on ALAS2 protein function. In summary, the available evidence is currently insufficient to determine the role of this variant in disease. Therefore, it has been classified as a Variant of Uncertain Significance.